The following is an entry in ClinVar:

ClinVar aggregate classification (germline): Benign. Review status: criteria provided, multiple submitters, no conflicts (2 of 4 stars). 2 submissions from 2 submitters: Benign (2). Last evaluated 2018-06-18.

Allele frequency attached by ClinVar (database versions not stated): 1000 Genomes Project 30x 0.06262; 1000 Genomes Project 0.06410; gnomAD 0.07104; TOPMed 0.07471; ESP Exome Variant Server 0.07620.
gnomAD v4.1: 98,056 of 1,132,532 alleles (8.7%); highest among the groups gnomAD compares: South Asian, 13%; 4,716 homozygotes.

Submissions (2):

GeneDx
Classification: Benign. Last evaluated: 2018-06-18. Review status: criteria provided, single submitter. Criteria: GeneDx Variant Classification (06012015). Collection method: clinical testing. Allele origin: germline. Affected: yes.
Comment: This variant is considered likely benign or benign based on one or more of the following criteria: it is a conservative change, it occurs at a poorly conserved position in the protein, it is predicted to be benign by multiple in silico algorithms, and/or has population frequency not consistent with disease.

Breakthrough Genomics
Classification: Benign. Review status: criteria provided, single submitter. Criteria: ACMG Guidelines, 2015. Collection method: not provided. Allele origin: germline. Inheritance: Autosomal recessive inheritance. Affected: yes.

NM_001330078.2(NRXN1):c.821-54A>G

Gene: NRXN1 (neurexin 1; minus strand). Cytogenetic location: 2p16.3.
Variant type: single nucleotide variant.
Coding change: c.821-54A>G on transcript NM_001330078.2 (MANE Select); 54 bases into the intron before coding-DNA position 821, A replaced by G.
Molecular consequence: intron variant.
Genome position (GRCh38, 1-based): chr2:50,921,934, T>C on the plus strand (A>G on the coding strand, the complement: NRXN1 is on the minus strand). VCF-style: chr2-50921934-T-C. GRCh37 (hg19) VCF-style: chr2-51149072-T-C.
Other names: c.772+105568A>G (NM_001330096.2, NM_001330087.2, NM_001330083.2 and 1 more transcripts); c.802+724A>G (NM_001330088.2); c.818-54A>G (NM_001330093.2, NM_001330079.2); c.820+724A>G (NM_001330094.2); c.821-54A>G (NM_001330095.2, NM_001330082.2, NM_001330077.2 and 5 more transcripts); c.920-54A>G (NM_001135659.3).
Identifiers: ClinVar variation 670809 (VCV000670809.2), dbSNP rs7423296, ClinGen allele CA48023287.